The following is an entry in ClinVar:

ClinVar aggregate classification (germline): Likely pathogenic (1 of 4 stars; one submission).

Conditions:
Leukodystrophy, hypomyelinating, 13. Identifiers: MedGen C4225170, MONDO:0014813, OMIM 616881.

Submission:

Neuberg Centre For Genomic Medicine, NCGM
Classification: Likely pathogenic for Leukodystrophy, hypomyelinating, 13. Review status: criteria provided, single submitter. Criteria: ACMG Guidelines, 2015. Collection method: clinical testing. Allele origin: germline. Inheritance: Autosomal recessive inheritance. Affected: yes.
Comment: The frameshift HIKESHI (p.Val115GlyfsTer4) variant has not been reported previously as a pathogenic variant nor as a benign variant, to our knowledge. The p.Val115GlyfsTer4 variant is novel (not in any individuals) in gnomAD Exomes and 1000 Genomes. This variant causes a frameshift starting with codon Valine 115, changes this amino acid to Glycine residue, and creates a premature stop codon at position 4 of the new reading frame, denoted p.Val115GlyfsTer4. For these reasons, this variant has been classified as Likely Pathogenic.

NM_016401.4(HIKESHI):c.344del (p.Val115fs)

Gene: HIKESHI (heat shock protein nuclear import factor hikeshi; plus strand). Cytogenetic location: 11q14.2.
Variant type: Deletion.
Coding change: c.344del on transcript NM_016401.4 (MANE Select); coding-DNA position 344, one base deleted (T; older notation c.344delT).
Protein change: p.Val115fs; shifts the reading frame from valine 115.
Molecular consequence: frameshift variant. On other transcripts: non-coding transcript variant (3).
Genome position (GRCh38, 1-based): chr11:86,337,454, T deleted. VCF-style (leftmost placement, unchanged base first): chr11-86337453-GT-G. GRCh37 (hg19) VCF-style: chr11-86048495-GT-G.
Other names: c.344del, p.Val115fs (NM_001322404.2); c.227del, p.Val76fs (NM_001322407.2, NM_001322409.2); short protein forms V76fs, V115fs.
Identifiers: ClinVar variation 2585407 (VCV002585407.1), dbSNP rs2496157331, ClinGen allele CA2582342445.